The following is an entry in ClinVar:

ClinVar aggregate classification (germline): Pathogenic (1 of 4 stars; one submission).

Conditions:
Cardiovascular phenotype. Identifiers: MedGen CN230736.
Hereditary cancer-predisposing syndrome. Also called: Neoplastic Syndromes, Hereditary; Tumor predisposition; Hereditary Cancer Syndrome; Hereditary neoplastic syndrome. Identifiers: Orphanet 140162, MedGen C0027672, MeSH D009386, MONDO:0015356.

Submission:

Ambry Genetics
Classification: Pathogenic for Cardiovascular phenotype; Hereditary cancer-predisposing syndrome. Last evaluated: 2020-10-09. Review status: criteria provided, single submitter. Criteria: Ambry Variant Classification Scheme 2023. Collection method: clinical testing. Allele origin: germline.
Comment: The c.1759dupA pathogenic mutation, located in coding exon 16 of the NF1 gene, results from a duplication of A at nucleotide position 1759, causing a translational frameshift with a predicted alternate stop codon (p.S587Kfs*6). This alteration is expected to result in loss of function by premature protein truncation or nonsense-mediated mRNA decay. As such, this alteration is interpreted as a disease-causing mutation.

NM_001042492.3(NF1):c.1759dup (p.Ser587fs)

Gene: NF1 (neurofibromin 1; plus strand). Cytogenetic location: 17q11.2.
Variant type: Duplication.
Coding change: c.1759dup on transcript NM_001042492.3 (MANE Select); coding-DNA position 1759, one base duplicated (A; older notation c.1759dupA).
Protein change: p.Ser587fs; shifts the reading frame from serine 587.
Molecular consequence: frameshift variant.
Genome position (GRCh38, 1-based): chr17:31,223,481, A duplicated. VCF-style (leftmost placement, unchanged base first): chr17-31223480-T-TA. GRCh37 (hg19) VCF-style: chr17-29550498-T-TA.
Other names: c.1759dupA (NM_000267.3); c.1759dup, p.Ser587Lysfs (NM_000267.4); short protein forms S587fs.
Identifiers: ClinVar variation 1779534 (VCV001779534.2), dbSNP rs2508125315, ClinGen allele CA2580092831.